The following is an entry in ClinVar:

NM_007078.3(LDB3):c.1902C>A (p.Phe634Leu)

Gene: LDB3 (LIM domain binding 3; plus strand). Cytogenetic location: 10q23.2.
Variant type: single nucleotide variant.
Coding change: c.1902C>A on transcript NM_007078.3 (MANE Select); coding-DNA position 1902, C replaced by A.
Protein change: p.Phe634Leu; replaces phenylalanine 634 with leucine.
Molecular consequence: missense variant.
Genome position (GRCh38, 1-based): chr10:86,718,771, C>A. VCF-style: chr10-86718771-C-A. GRCh37 (hg19) VCF-style: chr10-88478528-C-A.
Other names: c.1572C>A, p.Phe524Leu (NM_001080114.2); c.1917C>A, p.Phe639Leu (NM_001171610.2); c.1713C>A, p.Phe571Leu (NM_001368064.1, NM_001368065.1); c.1761C>A, p.Phe587Leu (NM_001368066.1); short protein forms F634L, F639L, F587L, F524L, F571L.
Identifiers: ClinVar variation 532926 (VCV000532926.7), dbSNP rs773904344, ClinGen allele CA377453830.
Genomic context (GRCh38, chr10:86,718,771, plus strand): 5'-AGGCTCTTTCCCCCAGGAAGTAATGCATGCCTTGAGACAGACATGGCACACCACCTGCTT[C>A]GTCTGTGCGGCCTGCAAGAAGCCTTTTGGGAACAGCCTCTTCCACATGGAAGACGGGGAG-3'
Protein context (NP_009009.1, residues 624-644): ALRQTWHTTC[Phe634Leu]VCAACKKPFG

ClinVar aggregate classification (germline): Uncertain significance (1 of 4 stars; one submission).

Conditions:
Myofibrillar myopathy 4. Also called: Zaspopathy (type). Identifiers: Orphanet 98912, MedGen C4721886, MONDO:0012277, OMIM 609452.

Submission:

Labcorp Genetics (formerly Invitae), Labcorp
Classification: Uncertain significance for Myofibrillar myopathy 4. Last evaluated: 2017-10-30. Review status: criteria provided, single submitter. Criteria: Invitae Variant Classification Sherloc (09022015). Collection method: clinical testing. Allele origin: germline.
Comment: This variant has not been reported in the literature in individuals with LDB3-related disease. This sequence change replaces phenylalanine with leucine at codon 639 of the LDB3 protein (p.Phe639Leu). The phenylalanine residue is highly conserved and there is a small physicochemical difference between phenylalanine and leucine. The LDB3 gene has multiple clinically relevant isoforms. The p.Phe639Leu variant occurs in alternate transcript NM_001171610.1, which corresponds to position c.*19397C>A, in NM_001080116.1 that is the primary transcript listed in the Methods. This variant is not present in population databases (ExAC no frequency). Algorithms developed to predict the effect of missense changes on protein structure and function do not agree on the potential impact of this missense change (SIFT: "Deleterious"; PolyPhen-2: "Probably Damaging"; Align-GVGD: "Class C15"). In summary, the available evidence is currently insufficient to determine the role of this variant in disease. Therefore, it has been classified as a Variant of Uncertain Significance.